The following is an entry in ClinVar:

NM_203447.4(DOCK8):c.3458A>G (p.Tyr1153Cys)

Gene: DOCK8 (dedicator of cytokinesis 8; plus strand). Cytogenetic location: 9p24.3.
Variant type: single nucleotide variant.
Coding change: c.3458A>G on transcript NM_203447.4 (MANE Select); coding-DNA position 3458, A replaced by G.
Protein change: p.Tyr1153Cys; replaces tyrosine 1153 with cysteine.
Molecular consequence: missense variant.
Genome position (GRCh38, 1-based): chr9:406,997, A>G. VCF-style: chr9-406997-A-G. GRCh37 (hg19) VCF-style: chr9-406997-A-G.
Other names: c.3158A>G, p.Tyr1053Cys (NM_001190458.2); c.3254A>G, p.Tyr1085Cys (NM_001193536.2); short protein forms Y1085C, Y1153C, Y1053C.
Identifiers: ClinVar variation 1993625 (VCV001993625.4), dbSNP rs1586940361, ClinGen allele CA372758451.
Genomic context (GRCh38, chr9:406,997, plus strand): 5'-GCTCCTGCTCCAGCTTCCAGGACCAGAAGATCGCCAGCATGTTCGATCTGACTTCCGAGT[A>G]CCGCCAGCAGCACTTCCTCACCGGGCTCCTCTTCACAGAACTGGCTGCTGCCCTGGATGC-3'
Protein context (NP_982272.2, residues 1143-1163): IASMFDLTSE[Tyr1153Cys]RQQHFLTGLL

ClinVar aggregate classification (germline): Uncertain significance (1 of 4 stars; one submission).

Conditions:
Combined immunodeficiency due to DOCK8 deficiency (HIES2). Also called: Hyper-IgE recurrent infection syndrome, autosomal recessive; HIES autosomal recessive; HYPER-IgE SYNDROME 2, AUTOSOMAL RECESSIVE, WITH RECURRENT INFECTIONS; DOCK8 Deficiency; HYPER-IgE RECURRENT INFECTION SYNDROME 2, AUTOSOMAL RECESSIVE. Identifiers: Orphanet 217390, MedGen C4722305, MONDO:0009478, OMIM 243700.

Submission:

Labcorp Genetics (formerly Invitae), Labcorp
Classification: Uncertain significance for Combined immunodeficiency due to DOCK8 deficiency. Last evaluated: 2022-05-12. Review status: criteria provided, single submitter. Criteria: Invitae Variant Classification Sherloc (09022015). Collection method: clinical testing. Allele origin: germline.
Comment: In summary, the available evidence is currently insufficient to determine the role of this variant in disease. Therefore, it has been classified as a Variant of Uncertain Significance. Algorithms developed to predict the effect of missense changes on protein structure and function are either unavailable or do not agree on the potential impact of this missense change (SIFT: "Deleterious"; PolyPhen-2: "Possibly Damaging"; Align-GVGD: "Class C0"). This variant has not been reported in the literature in individuals affected with DOCK8-related conditions. This variant is not present in population databases (gnomAD no frequency). This sequence change replaces tyrosine, which is neutral and polar, with cysteine, which is neutral and slightly polar, at codon 1153 of the DOCK8 protein (p.Tyr1153Cys).